The following is an entry in ClinVar:

NM_000179.3(MSH6):c.3156G>A (p.Glu1052=)

Gene: MSH6 (mutS homolog 6; plus strand). Cytogenetic location: 2p16.3.
Variant type: single nucleotide variant.
Coding change: c.3156G>A on transcript NM_000179.3 (MANE Select); coding-DNA position 3156, G replaced by A.
Protein change: p.Glu1052=; no amino-acid change (glutamic acid 1052 retained).
Molecular consequence: synonymous variant.
Genome position (GRCh38, 1-based): chr2:47,801,139, G>A. VCF-style: chr2-47801139-G-A. GRCh37 (hg19) VCF-style: chr2-48028278-G-A.
Other names: c.2766G>A, p.Glu922= (NM_001281492.2); c.2250G>A, p.Glu750= (NM_001281493.2, NM_001281494.2).
Identifiers: ClinVar variation 560771 (VCV000560771.20), dbSNP rs761277966, ClinGen allele CA070120.
Genomic context (GRCh38, chr2:47,801,139, plus strand): 5'-CATGCGGCGACTGTTCTATAACTTTGATAAAAATTACAAGGACTGGCAGTCTGCTGTAGA[G>A]TGTATCGCAGTGTTGGGTAAGACTTTGAACAAGCTTGTTCTCAGGCTTTGATAAGTAGTG-3'
Protein context (NP_000170.1, residues 1042-1062): KNYKDWQSAV[Glu1052=]CIAVLDVLLC

ClinVar aggregate classification (germline): Benign/Likely benign. Review status: criteria provided, multiple submitters, no conflicts (2 of 4 stars). 6 submissions from 6 submitters: Benign (1); Likely benign (5). Last evaluated 2026-02-01.

Conditions:
Hereditary cancer-predisposing syndrome. Also called: Hereditary neoplastic syndrome; Tumor predisposition; Neoplastic Syndromes, Hereditary; Hereditary Cancer Syndrome. Identifiers: Orphanet 140162, MedGen C0027672, MeSH D009386, MONDO:0015356.
Lynch syndrome 5 (LYNCH5). Also called: Colorectal cancer, hereditary nonpolyposis, type 5; Hereditary non-polyposis colorectal cancer, type 5. Identifiers: Orphanet 144, MedGen C1833477, MONDO:0013710, OMIM 614350. Disease mechanism: loss of function.
Lynch syndrome. Identifiers: Orphanet 144, MedGen C4552100, MONDO:0005835. Disease mechanism: loss of function.
Hereditary nonpolyposis colorectal neoplasms. Identifiers: MedGen C0009405, MeSH D003123.

Allele frequency attached by ClinVar (database versions not stated): gnomAD 0.00001; gnomAD exomes 0.00002; TOPMed 0.00002; ExAC 0.00003.
gnomAD v4.1: 7 of 1,610,690 alleles (0.00043%); highest among the groups gnomAD compares: Admixed American, 0.005%; no homozygotes.

Submissions (6):

Labcorp Genetics (formerly Invitae), Labcorp
Classification: Likely benign for Hereditary nonpolyposis colorectal neoplasms. Last evaluated: 2026-02-01. Review status: criteria provided, single submitter. Criteria: Invitae Variant Classification Sherloc (09022015). Collection method: clinical testing. Allele origin: germline.

Myriad Genetics, Inc.
Classification: Benign for Lynch syndrome 5. Last evaluated: 2025-01-03. Review status: criteria provided, single submitter. Criteria: Myriad Autosomal Dominant, Autosomal Recessive and X-Linked Classification Criteria (2023). Collection method: clinical testing. Allele origin: unknown.
Comment: This variant is considered benign. This variant is a silent/synonymous amino acid change and it is not expected to impact splicing.

All of Us Research Program, National Institutes of Health
Classification: Likely benign for Lynch syndrome. Last evaluated: 2023-10-06. Review status: criteria provided, single submitter. Criteria: ACMG Guidelines, 2015. Collection method: clinical testing. Allele origin: germline. Inheritance: Autosomal dominant inheritance. Observed: 4 variant alleles, 4 heterozygotes.
Comment: This study involves interpretation of variants in research participants for the purpose of population health screening. Participant phenotype was not available at the time of variant classification. Additional details can be found in publication PMID: 35346344, PMCID: PMC8962531

Blueprint Genetics
Classification: Likely benign. Last evaluated: 2021-05-03. Review status: criteria provided, single submitter. Criteria: ACMG Guidelines, 2015. Collection method: clinical testing. Allele origin: germline.

PreventionGenetics, part of Exact Sciences
Classification: Likely benign. Last evaluated: 2017-06-21. Review status: criteria provided, single submitter. Criteria: ACMG Guidelines, 2015. Collection method: clinical testing. Allele origin: germline.

Ambry Genetics
Classification: Likely benign for Hereditary cancer-predisposing syndrome. Last evaluated: 2015-08-21. Review status: criteria provided, single submitter. Criteria: Ambry Variant Classification Scheme 2023. Collection method: clinical testing. Allele origin: germline.